The following is an entry in ClinVar:

NM_000117.3(EMD):c.406G>C (p.Asp136His)

Gene: EMD (emerin; plus strand). Cytogenetic location: Xq28.
Variant type: single nucleotide variant.
Coding change: c.406G>C on transcript NM_000117.3 (MANE Select); coding-DNA position 406, G replaced by C.
Protein change: p.Asp136His; replaces aspartic acid 136 with histidine.
Molecular consequence: missense variant.
Genome position (GRCh38, 1-based): chrX:154,380,759, G>C. VCF-style: chrX-154380759-G-C. GRCh37 (hg19) VCF-style: chrX-153609119-G-C.
Other names: short protein forms D136H.
Identifiers: ClinVar variation 222598 (VCV000222598.12), dbSNP rs869025401, ClinGen allele CA351755.

ClinVar aggregate classification (germline): Uncertain significance. Review status: criteria provided, multiple submitters, no conflicts (2 of 4 stars). 2 submissions from 2 submitters: Uncertain significance (2). Last evaluated 2024-05-10.

Conditions:
X-linked Emery-Dreifuss muscular dystrophy. Also called: Muscular dystrophy, tardive Emery-Dreifuss type, with contractures. Identifiers: Orphanet 261, Orphanet 98863, MedGen C0751337, MONDO:0010680.

Allele frequency attached by ClinVar (database versions not stated): gnomAD 0.00001; gnomAD exomes 0.00001; TOPMed 0.00002.

Submissions (2):

Labcorp Genetics (formerly Invitae), Labcorp
Classification: Uncertain significance for X-linked Emery-Dreifuss muscular dystrophy. Last evaluated: 2024-05-10. Review status: criteria provided, single submitter. Criteria: Invitae Variant Classification Sherloc (09022015). Collection method: clinical testing. Allele origin: germline.
Comment: This sequence change replaces aspartic acid, which is acidic and polar, with histidine, which is basic and polar, at codon 136 of the EMD protein (p.Asp136His). The frequency data for this variant in the population databases is considered unreliable, as metrics indicate poor data quality at this position in the gnomAD database. This variant has not been reported in the literature in individuals affected with EMD-related conditions. ClinVar contains an entry for this variant (Variation ID: 222598). Advanced modeling of protein sequence and biophysical properties (such as structural, functional, and spatial information, amino acid conservation, physicochemical variation, residue mobility, and thermodynamic stability) performed at Invitae indicates that this missense variant is not expected to disrupt EMD protein function with a negative predictive value of 80%. In summary, the available evidence is currently insufficient to determine the role of this variant in disease. Therefore, it has been classified as a Variant of Uncertain Significance.

Blueprint Genetics
Classification: Uncertain significance. Last evaluated: 2022-02-24. Review status: criteria provided, single submitter. Criteria: ACMG Guidelines, 2015. Collection method: clinical testing. Allele origin: germline.